The following is an entry in ClinVar:

NM_001737.5(C9):c.1451T>A (p.Met484Lys)

Gene: C9 (complement C9; minus strand). Cytogenetic location: 5p13.1.
Variant type: single nucleotide variant.
Coding change: c.1451T>A on transcript NM_001737.5 (MANE Select); coding-DNA position 1451, T replaced by A.
Protein change: p.Met484Lys; replaces methionine 484 with lysine.
Molecular consequence: missense variant.
Genome position (GRCh38, 1-based): chr5:39,288,917, A>T on the plus strand (T>A on the coding strand, the complement: C9 is on the minus strand). VCF-style: chr5-39288917-A-T. GRCh37 (hg19) VCF-style: chr5-39289019-A-T.
Other names: c.1451T>A (NM_001737.3); short protein forms M484K.
Identifiers: ClinVar variation 1546178 (VCV001546178.10), dbSNP rs145969667, ClinGen allele CA3246680.
Genomic context (GRCh38, chr5:39,288,917, plus strand): 5'-TCATTGATATAGTCTTCAATGGCTCTTTCCAAGTTTTGTTTCTTTAGGTGTGCATTTTTC[A>T]TTTTCACTGGAACCAGATTATATATAGGAGACAGCTGAAAGGAAGCAAAACATTTAATTT-3'
Protein context (NP_001728.1, residues 474-494): SPIYNLVPVK[Met484Lys]KNAHLKKQNL

ClinVar aggregate classification (germline): Conflicting classifications of pathogenicity. Review status: criteria provided, conflicting classifications (1 of 4 stars). 3 submissions from 3 submitters: Uncertain significance (2); Likely benign (1). Last evaluated 2025-12-03.

Conditions:
Complement component 9 deficiency (C9D). Also called: C9 deficiency. Identifiers: MedGen C3151189, MONDO:0013445, OMIM 613825.
Age related macular degeneration 15. Also called: MACULAR DEGENERATION, AGE-RELATED, 15, SUSCEPTIBILITY TO. Identifiers: MedGen C3810042, MONDO:0014266, OMIM 615591.
Inborn genetic diseases. Identifiers: MedGen C0950123, MeSH D030342.

Allele frequency attached by ClinVar (database versions not stated): gnomAD exomes 0.00020; ExAC 0.00022; 1000 Genomes Project 0.00060; 1000 Genomes Project 30x 0.00094; ESP Exome Variant Server 0.00100; gnomAD 0.00101 and 0.00109; TOPMed 0.00104.
gnomAD v4.1: 303 of 1,609,230 alleles (0.019%); highest among the groups gnomAD compares: African/African-American, 0.38%; 3 homozygotes.

Submissions (3):

Labcorp Genetics (formerly Invitae), Labcorp
Classification: Likely benign. Last evaluated: 2025-12-03. Review status: criteria provided, single submitter. Criteria: Invitae Variant Classification Sherloc (09022015). Collection method: clinical testing. Allele origin: germline.

Ambry Genetics
Classification: Uncertain significance for Inborn genetic diseases. Last evaluated: 2025-09-05. Review status: criteria provided, single submitter. Criteria: Ambry Variant Classification Scheme 2023. Collection method: clinical testing. Allele origin: germline.

Center for Genomics, Ann and Robert H. Lurie Children's Hospital of Chicago
Classification: Uncertain significance for Complement component 9 deficiency; Age related macular degeneration 15. Review status: criteria provided, single submitter. Criteria: ACMG Guidelines, 2015. Collection method: clinical testing. Allele origin: germline.
Comment: C9 NM_001737.4 exon 10 p.Met484Lys (c.1451T>A): This variant has not been reported in the literature but is present in 0.3% (142/41366) of African alleles including 2 homozygotes in the Genome Aggregation Database. Evolutionary conservation and computational predictive tools suggest that this variant may not impact the protein. In summary, data on this variant is insufficient for disease classification. Therefore, the clinical significance of this variant is uncertain.